The following is an entry in ClinVar:

NM_000263.4(NAGLU):c.8C>T (p.Ala3Val)

Genes: NAGLU (N-acetyl-alpha-glucosaminidase; plus strand), LOC130060903 (ATAC-STARR-seq lymphoblastoid silent region 8533; plus strand). Cytogenetic location: 17q21.2.
Variant type: single nucleotide variant.
Coding change: c.8C>T on transcript NM_000263.4 (MANE Select); coding-DNA position 8, C replaced by T.
Protein change: p.Ala3Val; replaces alanine 3 with valine.
Molecular consequence: missense variant.
Genome position (GRCh38, 1-based): chr17:42,536,280, C>T. VCF-style: chr17-42536280-C-T. GRCh37 (hg19) VCF-style: chr17-40688298-C-T.
Other names: short protein forms A3V.
Identifiers: ClinVar variation 1364111 (VCV001364111.5), dbSNP rs2092905628, ClinGen allele CA399594890.

ClinVar aggregate classification (germline): Uncertain significance (1 of 4 stars; one submission).

Conditions:
Charcot-Marie-Tooth disease axonal type 2V. Also called: CHARCOT-MARIE-TOOTH NEUROPATHY, TYPE 2V; CHARCOT-MARIE-TOOTH DISEASE, AXONAL, AUTOSOMAL DOMINANT, TYPE 2V. Identifiers: Orphanet 447964, MedGen C5569050, MONDO:0014665, OMIM 616491.
Mucopolysaccharidosis, MPS-III-B (MPS3B). Also called: MPS IIIB (Sanfilippo Syndrome Type B); N-ACETYL-ALPHA-D-GLUCOSAMINIDASE DEFICIENCY; NAGLU DEFICIENCY; MUCOPOLYSACCHARIDOSIS, TYPE IIIB; Mucopolysaccharidosis type IIIB (Sanfilippo B); SANFILIPPO SYNDROME B. Identifiers: Orphanet 79270, MedGen C0086648, MONDO:0009656, OMIM 252920.

Allele frequency attached by ClinVar (database versions not stated): gnomAD exomes below 0.00001.

Submission:

Labcorp Genetics (formerly Invitae), Labcorp
Classification: Uncertain significance for Charcot-Marie-Tooth disease axonal type 2V; Mucopolysaccharidosis, MPS-III-B. Last evaluated: 2021-08-31. Review status: criteria provided, single submitter. Criteria: Invitae Variant Classification Sherloc (09022015). Collection method: clinical testing. Allele origin: germline.
Comment: This sequence change replaces alanine with valine at codon 3 of the NAGLU protein (p.Ala3Val). The alanine residue is weakly conserved and there is a small physicochemical difference between alanine and valine. The frequency data for this variant in the population databases is considered unreliable, as metrics indicate insufficient coverage at this position in the ExAC database. This variant has not been reported in the literature in individuals affected with NAGLU-related conditions. Advanced modeling of protein sequence and biophysical properties (such as structural, functional, and spatial information, amino acid conservation, physicochemical variation, residue mobility, and thermodynamic stability) performed at Invitae indicates that this missense variant is not expected to disrupt NAGLU protein function. In summary, the available evidence is currently insufficient to determine the role of this variant in disease. Therefore, it has been classified as a Variant of Uncertain Significance.